The following is an entry in ClinVar:

ClinVar aggregate classification (germline): Uncertain significance (1 of 4 stars; one submission).

Conditions:
Hereditary cancer-predisposing syndrome. Also called: Neoplastic Syndromes, Hereditary; Tumor predisposition; Hereditary Cancer Syndrome; Hereditary neoplastic syndrome. Identifiers: Orphanet 140162, MedGen C0027672, MeSH D009386, MONDO:0015356.

gnomAD v4.1: 1 of 1,594,290 alleles (0.000063%); highest among the groups gnomAD compares: Non-Finnish European, 0.000086%; no homozygotes.

Submission:

Ambry Genetics
Classification: Uncertain significance for Hereditary cancer-predisposing syndrome. Last evaluated: 2026-04-04. Review status: criteria provided, single submitter. Criteria: Ambry Variant Classification Scheme 2023. Collection method: clinical testing. Allele origin: germline.
Comment: The p.S297N variant (also known as c.890G>A), located in coding exon 7 of the POLD1 gene, results from a G to A substitution at nucleotide position 890. The serine at codon 297 is replaced by asparagine, an amino acid with highly similar properties. This amino acid position is conserved. In addition, this alteration is predicted to be tolerated by in silico analysis. Based on the available evidence, the clinical significance of this variant remains unclear.

NM_002691.4(POLD1):c.890G>A (p.Ser297Asn)

Gene: POLD1 (DNA polymerase delta 1, catalytic subunit; plus strand). Cytogenetic location: 19q13.33.
Variant type: single nucleotide variant.
Coding change: c.890G>A on transcript NM_002691.4 (MANE Select); coding-DNA position 890, G replaced by A.
Protein change: p.Ser297Asn; replaces serine 297 with asparagine.
Molecular consequence: missense variant. On other transcripts: non-coding transcript variant (1).
Genome position (GRCh38, 1-based): chr19:50,402,661, G>A. VCF-style: chr19-50402661-G-A. GRCh37 (hg19) VCF-style: chr19-50905918-G-A.
Other names: c.890G>A, p.Ser297Asn (NM_001256849.1, NM_001308632.1, NM_001438210.1 and 3 more transcripts); short protein forms S297N.
Identifiers: ClinVar variation 4862174 (VCV004862174.1).